The following is an entry in ClinVar:

NM_001999.4(FBN2):c.8150A>G (p.Tyr2717Cys)

Gene: FBN2 (fibrillin 2; minus strand). Cytogenetic location: 5q23.3.
Variant type: single nucleotide variant.
Coding change: c.8150A>G on transcript NM_001999.4 (MANE Select); coding-DNA position 8150, A replaced by G.
Protein change: p.Tyr2717Cys; replaces tyrosine 2717 with cysteine.
Molecular consequence: missense variant.
Genome position (GRCh38, 1-based): chr5:128,263,467, T>C on the plus strand (A>G on the coding strand, the complement: FBN2 is on the minus strand). VCF-style: chr5-128263467-T-C. GRCh37 (hg19) VCF-style: chr5-127599159-T-C.
Other names: short protein forms Y2717C.
Identifiers: ClinVar variation 4841631 (VCV004841631.1).

ClinVar aggregate classification (germline): Uncertain significance (1 of 4 stars; one submission).

Conditions:
Familial thoracic aortic aneurysm and aortic dissection (TAAD). Also called: Thoracic aortic aneurysms and dissections. Identifiers: Orphanet 91387, MedGen C4707243, MONDO:0019625.

Submission:

Ambry Genetics
Classification: Uncertain significance for Familial thoracic aortic aneurysm and aortic dissection. Last evaluated: 2025-12-30. Review status: criteria provided, single submitter. Criteria: Ambry Variant Classification Scheme 2023. Collection method: clinical testing. Allele origin: germline.
Comment: The p.Y2717C variant (also known as c.8150A>G), located in coding exon 63 of the FBN2 gene, results from an A to G substitution at nucleotide position 8150. The tyrosine at codon 2717 is replaced by cysteine, an amino acid with highly dissimilar properties. This amino acid position is conserved. In addition, this alteration is predicted to be deleterious by in silico analysis. Based on the available evidence, the clinical significance of this variant remains unclear.